The following is an entry in ClinVar:

NM_001851.6(COL9A1):c.1279G>A (p.Gly427Ser)

Gene: COL9A1 (collagen type IX alpha 1 chain; minus strand). Cytogenetic location: 6q13.
Variant type: single nucleotide variant.
Coding change: c.1279G>A on transcript NM_001851.6 (MANE Select); coding-DNA position 1279, G replaced by A.
Protein change: p.Gly427Ser; replaces glycine 427 with serine.
Molecular consequence: missense variant. On other transcripts: non-coding transcript variant (1).
Genome position (GRCh38, 1-based): chr6:70,268,812, C>T on the plus strand (G>A on the coding strand, the complement: COL9A1 is on the minus strand). VCF-style: chr6-70268812-C-T. GRCh37 (hg19) VCF-style: chr6-70978515-C-T.
Other names: c.550G>A, p.Gly184Ser (NM_001377289.1, NM_001377290.1, NM_078485.4); short protein forms G184S, G427S.
Identifiers: ClinVar variation 1348268 (VCV001348268.8), dbSNP rs2127588403, ClinGen allele CA364680825.

ClinVar aggregate classification (germline): Uncertain significance (1 of 4 stars; one submission).

Submission:

Labcorp Genetics (formerly Invitae), Labcorp
Classification: Uncertain significance. Last evaluated: 2020-11-16. Review status: criteria provided, single submitter. Criteria: Invitae Variant Classification Sherloc (09022015). Collection method: clinical testing. Allele origin: germline.
Comment: This sequence change replaces glycine with serine at codon 427 of the COL9A1 protein (p.Gly427Ser). The glycine residue is highly conserved and there is a small physicochemical difference between glycine and serine. This variant is not present in population databases (ExAC no frequency). This variant has not been reported in the literature in individuals with COL9A1-related conditions. Advanced modeling of protein sequence and biophysical properties (such as structural, functional, and spatial information, amino acid conservation, physicochemical variation, residue mobility, and thermodynamic stability) performed at Invitae indicates that this missense variant is expected to disrupt COL9A1 protein function. In summary, the available evidence is currently insufficient to determine the role of this variant in disease. Therefore, it has been classified as a Variant of Uncertain Significance.